The following is an entry in ClinVar:

NM_000051.4(ATM):c.58G>A (p.Ala20Thr)

Gene: ATM (ATM serine/threonine kinase; plus strand). Cytogenetic location: 11q22.3.
Variant type: single nucleotide variant.
Coding change: c.58G>A on transcript NM_000051.4 (MANE Select); coding-DNA position 58, G replaced by A.
Protein change: p.Ala20Thr; replaces alanine 20 with threonine.
Molecular consequence: missense variant.
Genome position (GRCh38, 1-based): chr11:108,227,682, G>A. VCF-style: chr11-108227682-G-A. GRCh37 (hg19) VCF-style: chr11-108098409-G-A.
Other names: c.58G>A, p.Ala20Thr (NM_001351834.2, NM_001351835.2, NM_001351836.2); short protein forms A20T.
Identifiers: ClinVar variation 482688 (VCV000482688.15), dbSNP rs1555053946, ClinGen allele CA382519297.

ClinVar aggregate classification (germline): Uncertain significance. Review status: criteria provided, multiple submitters, no conflicts (2 of 4 stars). 2 submissions from 2 submitters: Uncertain significance (2). Last evaluated 2023-03-28.

Conditions:
Hereditary cancer-predisposing syndrome. Also called: Hereditary neoplastic syndrome; Neoplastic Syndromes, Hereditary; Tumor predisposition; Hereditary Cancer Syndrome. Identifiers: Orphanet 140162, MedGen C0027672, MeSH D009386, MONDO:0015356.
Ataxia-telangiectasia syndrome (AT). Also called: LOUIS-BAR SYNDROME; Cerebello-oculocutaneous telangiectasia; Immunodeficiency with ataxia telangiectasia; AT, COMPLEMENTATION GROUP C; Ataxia-telangiectasia, complementation group D; ATAXIA-TELANGIECTASIA, COMPLEMENTATION GROUP A. Identifiers: Orphanet 100, MedGen C0004135, MONDO:0008840, OMIM 208900.

Submissions (2):

Ambry Genetics
Classification: Uncertain significance for Hereditary cancer-predisposing syndrome. Last evaluated: 2023-03-28. Review status: criteria provided, single submitter. Criteria: Ambry Variant Classification Scheme 2023. Collection method: clinical testing. Allele origin: germline.
Comment: The p.A20T variant (also known as c.58G>A), located in coding exon 1 of the ATM gene, results from a G to A substitution at nucleotide position 58. The alanine at codon 20 is replaced by threonine, an amino acid with similar properties. This amino acid position is well conserved in available vertebrate species. In addition, this alteration is predicted to be tolerated by in silico analysis. Since supporting evidence is limited at this time, the clinical significance of this alteration remains unclear.

Labcorp Genetics (formerly Invitae), Labcorp
Classification: Uncertain significance for Ataxia-telangiectasia syndrome. Last evaluated: 2019-11-20. Review status: criteria provided, single submitter. Criteria: Invitae Variant Classification Sherloc (09022015). Collection method: clinical testing. Allele origin: germline.
Comment: In summary, the available evidence is currently insufficient to determine the role of this variant in disease. Therefore, it has been classified as a Variant of Uncertain Significance. Algorithms developed to predict the effect of missense changes on protein structure and function are either unavailable or do not agree on the potential impact of this missense change (SIFT: "Tolerated"; PolyPhen-2: "Probably Damaging"; Align-GVGD: "Class C0"). This variant has not been reported in the literature in individuals with ATM-related conditions. ClinVar contains an entry for this variant (Variation ID: 482688). This variant is not present in population databases (ExAC no frequency). This sequence change replaces alanine with threonine at codon 20 of the ATM protein (p.Ala20Thr). The alanine residue is moderately conserved and there is a small physicochemical difference between alanine and threonine.